The following is an entry in ClinVar:

ClinVar aggregate classification (germline): Pathogenic (0 of 4 stars; one submission).

Conditions:
Autosomal dominant nonsyndromic hearing loss 16. Also called: Deafness, autosomal dominant 16. Identifiers: Orphanet 90635, MedGen C1858916, MONDO:0011389, OMIM 603964.

Submission:

Laboratory of Prof. Karen Avraham, Tel Aviv University
Classification: Pathogenic for Autosomal dominant nonsyndromic hearing loss 16. Last evaluated: 2016-02-19. Review status: no assertion criteria provided. Collection method: research. Allele origin: germline. Affected: yes.
Comment: Congenital, mild-moderate HL

NSHL; recessive, DFNB16

NM_153700.2(STRC):c.[4057C>T];[4171C>G]

Variant type: CompoundHeterozygote.
Identifiers: ClinVar variation 424817 (VCV000424817.2).